The following is an entry in ClinVar:

ClinVar aggregate classification (germline): Uncertain significance (1 of 4 stars; one submission).

Submission:

GeneDx
Classification: Uncertain significance. Last evaluated: 2025-06-12. Review status: criteria provided, single submitter. Criteria: GeneDx Variant Classification Process June 2021. Collection method: clinical testing. Allele origin: germline. Affected: yes.
Comment: Not observed at significant frequency in large population cohorts (gnomAD); In silico analysis supports that this missense variant has a deleterious effect on protein structure/function; Has not been previously published as pathogenic or benign to our knowledge

NM_000540.3(RYR1):c.12674G>T (p.Gly4225Val)

Gene: RYR1 (ryanodine receptor 1; plus strand). Cytogenetic location: 19q13.2.
Variant type: single nucleotide variant.
Coding change: c.12674G>T on transcript NM_000540.3 (MANE Select); coding-DNA position 12674, G replaced by T.
Protein change: p.Gly4225Val; replaces glycine 4225 with valine.
Molecular consequence: missense variant.
Genome position (GRCh38, 1-based): chr19:38,565,008, G>T. VCF-style: chr19-38565008-G-T. GRCh37 (hg19) VCF-style: chr19-39055648-G-T.
Other names: c.12659G>T, p.Gly4220Val (NM_001042723.2); short protein forms G4220V, G4225V.
Identifiers: ClinVar variation 4537547 (VCV004537547.1).
Genomic context (GRCh38, chr19:38,565,008, plus strand): 5'-CCTCGCTTCAGGTGAAGGAGTCCAAGCGCCAGTTCATCTTCGACGTGGTGAACGAGGGCG[G>T]CGAGGCTGAGAAGATGGAGCTCTTCGTGAGTTTCTGCGAGGACACCATCTTCGAGATGCA-3'
Protein context (NP_000531.2, residues 4215-4235): QFIFDVVNEG[Gly4225Val]EAEKMELFVS